The following is an entry in ClinVar:

NM_001844.5(COL2A1):c.701G>A (p.Gly234Asp)

Gene: COL2A1 (collagen type II alpha 1 chain; minus strand). Cytogenetic location: 12q13.11.
Variant type: single nucleotide variant.
Coding change: c.701G>A on transcript NM_001844.5 (MANE Select); coding-DNA position 701, G replaced by A.
Protein change: p.Gly234Asp; replaces glycine 234 with aspartic acid.
Molecular consequence: missense variant.
Genome position (GRCh38, 1-based): chr12:47,995,717, C>T on the plus strand (G>A on the coding strand, the complement: COL2A1 is on the minus strand). VCF-style: chr12-47995717-C-T. GRCh37 (hg19) VCF-style: chr12-48389500-C-T.
Other names: c.494G>A, p.Gly165Asp (NM_033150.3); short protein forms G234D, G165D.
Identifiers: ClinVar variation 2115797 (VCV002115797.4), dbSNP rs2540174470, ClinGen allele CA384523628.

ClinVar aggregate classification (germline): Likely pathogenic (1 of 4 stars; one submission).

Submission:

Labcorp Genetics (formerly Invitae), Labcorp
Classification: Likely pathogenic. Last evaluated: 2022-03-22. Review status: criteria provided, single submitter. Criteria: Invitae Variant Classification Sherloc (09022015). Collection method: clinical testing. Allele origin: germline.
Comment: This sequence change replaces glycine, which is neutral and non-polar, with aspartic acid, which is acidic and polar, at codon 234 of the COL2A1 protein (p.Gly234Asp). This variant is not present in population databases (gnomAD no frequency). This variant has not been reported in the literature in individuals affected with COL2A1-related conditions. Advanced modeling of protein sequence and biophysical properties (such as structural, functional, and spatial information, amino acid conservation, physicochemical variation, residue mobility, and thermodynamic stability) performed at Invitae indicates that this missense variant is expected to disrupt COL2A1 protein function. This variant disrupts the triple helix domain of COL2A1. Glycine residues within the Gly-Xaa-Yaa repeats of the triple helix domain are required for the structure and stability of fibrillar collagens (PMID: 7695699, 8218237, 19344236). In COL2A1, variants affecting these glycine residues are significantly enriched in individuals with disease (PMID: 9016532, 17078022) compared to the general population (ExAC). In summary, the currently available evidence indicates that the variant is pathogenic, but additional data are needed to prove that conclusively. Therefore, this variant has been classified as Likely Pathogenic.

Literature cited by the submitters: PubMed 7695699; PubMed 8218237; PubMed 19344236; PubMed 9016532; PubMed 17078022.